The following is an entry in ClinVar:

NM_001267550.2(TTN):c.11311+5006G>A

Genes: TTN (titin; minus strand), LOC126806432 (CDK7 strongly-dependent group 2 enhancer GRCh37_chr2:179611985-179613184; plus strand). Cytogenetic location: 2q31.2.
Variant type: single nucleotide variant.
Coding change: c.11311+5006G>A on transcript NM_001267550.2 (MANE Select); 5006 bases into the intron after coding-DNA position 11311, G replaced by A.
Molecular consequence: intron variant. On other transcripts: missense variant (1).
Genome position (GRCh38, 1-based): chr2:178,748,118, C>T on the plus strand (G>A on the coding strand, the complement: TTN is on the minus strand). VCF-style: chr2-178748118-C-T. GRCh37 (hg19) VCF-style: chr2-179612845-C-T.
Other names: c.14282G>A, p.Ser4761Asn (NM_133379.5); c.10222+5006G>A (NM_003319.4); c.10798+5006G>A (NM_133437.4); c.10597+5006G>A (NM_133432.3); c.10360+5006G>A (NM_133378.4, NM_001256850.1); short protein forms S4761N.
Identifiers: ClinVar variation 3358472 (VCV003358472.1).
Genomic context (GRCh38, chr2:178,748,118, plus strand): 5'-ATTTCACCAACCCCTAAAGGCTTTTCCTCACTTGCTGCTTTTTTCAAATGTGAGATGGAA[C>T]TTCTGCCTCCATTTTCTAGAGGACAACTTTTCTCAGAAAGATCAGTTTCTTCTATATCTG-3'

ClinVar aggregate classification (germline): Uncertain significance (0 of 4 stars; one submission).

Conditions:
TTN-related disorder. Also called: TTN-related condition; TTN-related disease; TTN-related disorders.

gnomAD v4.1: 2 of 1,613,088 alleles (0.00012%); highest among the groups gnomAD compares: African/African-American, 0.0013%; no homozygotes.

Submission:

PreventionGenetics, part of Exact Sciences
Classification: Uncertain significance for TTN-related condition. Last evaluated: 2024-09-08. Review status: no assertion criteria provided. Collection method: clinical testing. Allele origin: germline.
Comment: The TTN c.14282G>A variant is predicted to result in the amino acid substitution p.Ser4761Asn. This variant corresponds to a deep intronic position in an alternate transcript for this gene (NM_001267550:c.11311+5006G>A). To our knowledge, this variant has not been reported in the literature. This variant is reported in 0.00089% of alleles in individuals of European (Non-Finnish) descent in gnomAD. At this time, the clinical significance of this variant is uncertain due to the absence of conclusive functional and genetic evidence.